The following is an entry in ClinVar:

NM_004304.5(ALK):c.516_517delinsTT (p.Glu172Asp)

Gene: ALK (ALK receptor tyrosine kinase; minus strand). Cytogenetic location: 2p23.1.
Variant type: Indel.
Coding change: c.516_517delinsTT on transcript NM_004304.5 (MANE Select); coding-DNA positions 516 to 517, GC replaced by TT.
Protein change: p.Glu172Asp; replaces glutamic acid 172 with aspartic acid.
Molecular consequence: missense variant.
Genome position (GRCh38, 1-based): chr2:29,920,143-29,920,144, GC replaced by AA on the plus strand (GC replaced by TT on the coding strand, the reverse complement: ALK is on the minus strand). VCF-style: chr2-29920143-GC-AA. GRCh37 (hg19) VCF-style: chr2-30143009-GC-AA.
Other names: short protein forms E172D.
Identifiers: ClinVar variation 3855303 (VCV003855303.1).

ClinVar aggregate classification (germline): Uncertain significance (1 of 4 stars; one submission).

Conditions:
Hereditary cancer-predisposing syndrome. Also called: Hereditary neoplastic syndrome; Neoplastic Syndromes, Hereditary; Tumor predisposition; Hereditary Cancer Syndrome. Identifiers: Orphanet 140162, MedGen C0027672, MeSH D009386, MONDO:0015356.

Submission:

Ambry Genetics
Classification: Uncertain significance for Hereditary cancer-predisposing syndrome. Last evaluated: 2025-01-27. Review status: criteria provided, single submitter. Criteria: Ambry Variant Classification Scheme 2023. Collection method: clinical testing. Allele origin: germline.
Comment: The c.516_517delGCinsTT variant (also known as p.E172D), located in coding exon 1 of the ALK gene, results from an in-frame deletion of GC and insertion of TT at nucleotide positions 516 to 517. This results in the substitution of the glutamic acid residue for an aspartic acid residue at codon 172, an amino acid with highly similar properties. This amino acid position is well conserved in available vertebrate species. In addition, this alteration is predicted to be neutral by in silico analysis (Choi Y et al. PLoS ONE. 2012; 7(10):e46688). Based on the available evidence, the clinical significance of this variant remains unclear.